The following is an entry in ClinVar:

ClinVar aggregate classification (germline): Uncertain significance (1 of 4 stars; one submission).

gnomAD v4.1: 1 of 1,613,848 alleles (0.000062%); highest among the groups gnomAD compares: Non-Finnish European, 0.000085%; no homozygotes.

Submission:

Labcorp Genetics (formerly Invitae), Labcorp
Classification: Uncertain significance. Last evaluated: 2023-02-17. Review status: criteria provided, single submitter. Criteria: Invitae Variant Classification Sherloc (09022015). Collection method: clinical testing. Allele origin: germline.
Comment: This sequence change replaces aspartic acid, which is acidic and polar, with valine, which is neutral and non-polar, at codon 1486 of the HIVEP2 protein (p.Asp1486Val). This variant is not present in population databases (gnomAD no frequency). This variant has not been reported in the literature in individuals affected with HIVEP2-related conditions. Advanced modeling of protein sequence and biophysical properties (such as structural, functional, and spatial information, amino acid conservation, physicochemical variation, residue mobility, and thermodynamic stability) performed at Invitae indicates that this missense variant is not expected to disrupt HIVEP2 protein function. In summary, the available evidence is currently insufficient to determine the role of this variant in disease. Therefore, it has been classified as a Variant of Uncertain Significance.

NM_006734.4(HIVEP2):c.4457A>T (p.Asp1486Val)

Gene: HIVEP2 (HIVEP zinc finger 2; minus strand). Cytogenetic location: 6q24.2.
Variant type: single nucleotide variant.
Coding change: c.4457A>T on transcript NM_006734.4 (MANE Select); coding-DNA position 4457, A replaced by T.
Protein change: p.Asp1486Val; replaces aspartic acid 1486 with valine.
Molecular consequence: missense variant.
Genome position (GRCh38, 1-based): chr6:142,770,282, T>A on the plus strand (A>T on the coding strand, the complement: HIVEP2 is on the minus strand). VCF-style: chr6-142770282-T-A. GRCh37 (hg19) VCF-style: chr6-143091419-T-A.
Other names: short protein forms D1486V.
Identifiers: ClinVar variation 2788724 (VCV002788724.3), dbSNP rs1582840658, ClinGen allele CA365900057.
Genomic context (GRCh38, chr6:142,770,282, plus strand): 5'-TCTTTTGGCTCAGAAGCACATCCTTGTCGAACCAGCTGGGGTTTCTGGGGGCGGGAGAGG[T>A]CCTTTTTGATGTCTGAGTTGGTCAGCTCCACAGCACTAAGCTCCTCCACAATCTGTCCGT-3'
Protein context (NP_006725.3, residues 1476-1496): VELTNSDIKK[Asp1486Val]LSRPQKPQLV